The following is an entry in ClinVar:

ClinVar aggregate classification (germline): Likely pathogenic (1 of 4 stars; one submission).

Conditions:
Familial focal epilepsy with variable foci (FPEVF). Identifiers: Orphanet 98820, MedGen C1858477, MONDO:0020310.

Submission:

Labcorp Genetics (formerly Invitae), Labcorp
Classification: Likely pathogenic for Familial focal epilepsy with variable foci. Last evaluated: 2020-09-10. Review status: criteria provided, single submitter. Criteria: Invitae Variant Classification Sherloc (09022015). Collection method: clinical testing. Allele origin: germline.
Comment: Algorithms developed to predict the effect of sequence changes on RNA splicing suggest that this variant may disrupt the consensus splice site, but this prediction has not been confirmed by published transcriptional studies. This variant has not been reported in the literature in individuals with DEPDC5-related conditions. This variant is not present in population databases (ExAC no frequency). This sequence change affects a donor splice site in intron 16 of the DEPDC5 gene. It is expected to disrupt RNA splicing and likely results in an absent or disrupted protein product. Donor and acceptor splice site variants typically lead to a loss of protein function (PMID: 16199547), and loss-of-function variants in DEPDC5 are known to be pathogenic (PMID: 23542697, 23542701). In summary, the currently available evidence indicates that the variant is pathogenic, but additional data are needed to prove that conclusively. Therefore, this variant has been classified as Likely Pathogenic.

Literature cited by the submitters: PubMed 16199547; PubMed 23542697; PubMed 23542701.

NM_001242896.3(DEPDC5):c.1143+1G>A

Gene: DEPDC5 (DEP domain containing 5, GATOR1 subcomplex subunit; plus strand). Cytogenetic location: 22q12.3.
Variant type: single nucleotide variant.
Coding change: c.1143+1G>A on transcript NM_001242896.3 (MANE Select); the canonical splice donor site of the intron after coding-DNA position 1143, G replaced by A.
Molecular consequence: splice donor variant.
Genome position (GRCh38, 1-based): chr22:31,804,224, G>A. VCF-style: chr22-31804224-G-A. GRCh37 (hg19) VCF-style: chr22-32200210-G-A.
Other names: c.1143+1G>A (NM_001364318.2, NM_001136029.4, NM_014662.6 and 7 more transcripts); c.1059+1G>A (NM_001369902.1, NM_001369901.1).
Identifiers: ClinVar variation 1066526 (VCV001066526.7), dbSNP rs2148649751, ClinGen allele CA411293496.